The following is an entry in ClinVar:

ClinVar aggregate classification (germline): Uncertain significance. Review status: criteria provided, multiple submitters, no conflicts (2 of 4 stars). 2 submissions from 2 submitters: Uncertain significance (2). Last evaluated 2025-01-27.

gnomAD v4.1: 3 of 1,598,914 alleles (0.00019%); highest among the groups gnomAD compares: Non-Finnish European, 0.00026%; no homozygotes.

Submissions (2):

Ambry Genetics
Classification: Uncertain significance. Last evaluated: 2025-01-27. Review status: criteria provided, single submitter. Criteria: Ambry Variant Classification Scheme 2023. Collection method: clinical testing. Allele origin: germline.
Comment: The p.N581K variant (also known as c.1743T>A), located in coding exon 13 of the RECQL gene, results from a T to A substitution at nucleotide position 1743. The asparagine at codon 581 is replaced by lysine, an amino acid with similar properties. This alteration has been identified in two individuals from a breast and/or ovarian cancer cohort (Nguyen-Dumont T et al. BMC Med Genet, 2018 01;19:12). This amino acid position is not well conserved in available vertebrate species. In addition, this alteration is predicted to be tolerated by in silico analysis. The evidence for this gene-disease relationship is limited; therefore, the clinical significance of this alteration is unclear.

Labcorp Genetics (formerly Invitae), Labcorp
Classification: Uncertain significance. Last evaluated: 2022-08-27. Review status: criteria provided, single submitter. Criteria: Invitae Variant Classification Sherloc (09022015). Collection method: clinical testing. Allele origin: germline.
Comment: This missense change has been observed in individual(s) with breast or ovarian cancer (PMID: 29351780). This variant is not present in population databases (gnomAD no frequency). This sequence change replaces asparagine, which is neutral and polar, with lysine, which is basic and polar, at codon 581 of the RECQL protein (p.Asn581Lys). ClinVar contains an entry for this variant (Variation ID: 1479608). In summary, the available evidence is currently insufficient to determine the role of this variant in disease. Therefore, it has been classified as a Variant of Uncertain Significance. Algorithms developed to predict the effect of missense changes on protein structure and function are either unavailable or do not agree on the potential impact of this missense change (SIFT: "Deleterious"; PolyPhen-2: "Benign"; Align-GVGD: "Class C0").

Literature cited by the submitters: PubMed 29351780 (cited by Ambry Genetics and Labcorp Genetics (formerly Invitae), Labcorp).

NM_002907.4(RECQL):c.1743T>A (p.Asn581Lys)

Genes: PYROXD1 (pyridine nucleotide-disulphide oxidoreductase domain 1; plus strand), RECQL (RecQ like helicase; minus strand). Cytogenetic location: 12p12.1.
Variant type: single nucleotide variant.
Coding change: c.1743T>A on transcript NM_002907.4 (MANE Select); coding-DNA position 1743, T replaced by A.
Protein change: p.Asn581Lys; replaces asparagine 581 with lysine.
Molecular consequence: missense variant. On other transcripts: 3 prime UTR variant (3).
Genome position (GRCh38, 1-based): chr12:21,471,023, A>T on the plus strand (T>A on the coding strand, the complement: RECQL is on the minus strand). VCF-style: chr12-21471023-A-T. GRCh37 (hg19) VCF-style: chr12-21623957-A-T.
Other names: c.1743T>A, p.Asn581Lys (NM_032941.3); c.*2269A>T (NM_001350912.2, NM_001350913.2, NM_024854.5); short protein forms N581K.
Identifiers: ClinVar variation 1479608 (VCV001479608.11), dbSNP rs1252730738, ClinGen allele CA384114516.